The following is an entry in ClinVar:

NM_001267550.2(TTN):c.12564C>T (p.Ala4188=)

Gene: TTN (titin; minus strand). Cytogenetic location: 2q31.2.
Variant type: single nucleotide variant.
Coding change: c.12564C>T on transcript NM_001267550.2 (MANE Select); coding-DNA position 12564, C replaced by T.
Protein change: p.Ala4188=; no amino-acid change (alanine 4188 retained).
Molecular consequence: synonymous variant. On other transcripts: intron variant (1).
Genome position (GRCh38, 1-based): chr2:178,740,669, G>A on the plus strand (C>T on the coding strand, the complement: TTN is on the minus strand). VCF-style: chr2-178740669-G-A. GRCh37 (hg19) VCF-style: chr2-179605396-G-A.
Other names: c.11613C>T, p.Ala3871= (NM_001256850.1); c.11475C>T, p.Ala3825= (NM_003319.4); c.11850C>T, p.Ala3950= (NM_133432.3); c.12051C>T, p.Ala4017= (NM_133437.4); c.10361-2309C>T (NM_133378.4).
Identifiers: ClinVar variation 699438 (VCV000699438.18), dbSNP rs547338168, ClinGen allele CA2002693.

ClinVar aggregate classification (germline): Likely benign. Review status: criteria provided, multiple submitters, no conflicts (2 of 4 stars). 6 submissions from 6 submitters: Likely benign (6). Last evaluated 2026-04-01.

Conditions:
TTN-related disorder. Also called: TTN-related condition; TTN-related disease; TTN-related disorders.
Cardiovascular phenotype. Identifiers: MedGen CN230736.
Autosomal recessive limb-girdle muscular dystrophy type 2J (LGMDR10). Also called: Limb-girdle muscular dystrophy, type 2J; MUSCULAR DYSTROPHY, LIMB-GIRDLE, AUTOSOMAL RECESSIVE 10. Identifiers: Orphanet 140922, MedGen C1837342, MONDO:0012127, OMIM 608807.
Dilated cardiomyopathy 1G (CMD1G). Identifiers: Orphanet 154, MedGen C1858763, MONDO:0011400, OMIM 604145.
Early-onset myopathy with fatal cardiomyopathy (CMYO5). Also called: Salih Myopathy; CONGENITAL MYOPATHY 5 WITH CARDIOMYOPATHY. Identifiers: Orphanet 289377, MedGen C2673677, MONDO:0012714, OMIM 611705. Disease mechanism: loss of function.
Tibial muscular dystrophy (TMD). Also called: Tibial muscular dystrophy, tardive; Udd Distal Myopathy – Tibial Muscular Dystrophy; UDD MYOPATHY. Identifiers: Orphanet 609, MedGen C1838244, MONDO:0010870, OMIM 600334.
Myopathy, myofibrillar, 9, with early respiratory failure (MFM9). Also called: Hereditary myopathy with early respiratory failure; MYOPATHY, PROXIMAL, WITH EARLY RESPIRATORY MUSCLE INVOLVEMENT; Myopathy, distal, with early respiratory failure, autosomal dominant; EDSTROM MYOPATHY. Identifiers: Orphanet 178464, Orphanet 34521, MedGen C1863599, MONDO:0011362, OMIM 603689.
Hypertrophic cardiomyopathy 9. Also called: Familial hypertrophic cardiomyopathy 9. Identifiers: MedGen C1861065, MONDO:0013412, OMIM 613765.
Cardiomyopathy (CMYO). Also called: Cardiomyopathies. Identifiers: Orphanet 167848, MedGen C0878544, MONDO:0004994, HP:0001638. Inheritance: Various modes of inheritance.

Allele frequency attached by ClinVar (database versions not stated): ExAC 0.00002; TOPMed 0.00005; 1000 Genomes Project 30x 0.00016; 1000 Genomes Project 0.00020.
gnomAD v4.1: 19 of 1,613,800 alleles (0.0012%); highest among the groups gnomAD compares: African/African-American, 0.023%; 1 homozygote.

Submissions (6):

PreventionGenetics, part of Exact Sciences
Classification: Likely benign for TTN-related condition. Last evaluated: 2026-04-01. Review status: criteria provided, single submitter. Criteria: ACMG Guidelines, 2015. Collection method: clinical testing. Allele origin: germline.
Comment: This variant is classified as likely benign based on ACMG/AMP sequence variant interpretation guidelines (Richards et al. 2015 PMID: 25741868, with internal and published modifications).

Labcorp Genetics (formerly Invitae), Labcorp
Classification: Likely benign for Dilated cardiomyopathy 1G; Autosomal recessive limb-girdle muscular dystrophy type 2J. Last evaluated: 2025-05-04. Review status: criteria provided, single submitter. Criteria: Invitae Variant Classification Sherloc (09022015). Collection method: clinical testing. Allele origin: germline.

Fulgent Genetics
Classification: Likely benign for Tibial muscular dystrophy; Myopathy, myofibrillar, 9, with early respiratory failure; Dilated cardiomyopathy 1G; Autosomal recessive limb-girdle muscular dystrophy type 2J; Early-onset myopathy with fatal cardiomyopathy; Hypertrophic cardiomyopathy 9. Last evaluated: 2021-07-12. Review status: criteria provided, single submitter. Criteria: ACMG Guidelines, 2015. Collection method: clinical testing. Allele origin: unknown.

Ambry Genetics
Classification: Likely benign for Cardiovascular phenotype. Last evaluated: 2020-01-09. Review status: criteria provided, single submitter. Criteria: Ambry Variant Classification Scheme 2023. Collection method: clinical testing. Allele origin: germline.

CHEO Genetics Diagnostic Laboratory, Children's Hospital of Eastern Ontario
Classification: Likely benign for Cardiomyopathy. Last evaluated: 2019-05-13. Review status: criteria provided, single submitter. Criteria: ACMG Guidelines, 2015. Collection method: clinical testing. Allele origin: germline.

GeneDx
Classification: Likely benign. Last evaluated: 2018-11-09. Review status: criteria provided, single submitter. Criteria: GeneDx Variant Classification Process June 2021. Collection method: clinical testing. Allele origin: germline. Affected: yes.